The following is an entry in ClinVar:

ClinVar aggregate classification (germline): Uncertain significance (1 of 4 stars; one submission).

Submission:

GeneDx
Classification: Uncertain significance. Last evaluated: 2024-03-04. Review status: criteria provided, single submitter. Criteria: GeneDx Variant Classification Process June 2021. Collection method: clinical testing. Allele origin: germline. Affected: yes.
Comment: Not observed at significant frequency in large population cohorts (gnomAD); In silico analysis supports a deleterious effect on splicing; Has not been previously published as pathogenic or benign to our knowledge

NM_018026.4(PACS1):c.1038G>A (p.Glu346=)

Gene: PACS1 (phosphofurin acidic cluster sorting protein 1; plus strand). Cytogenetic location: 11q13.2.
Variant type: single nucleotide variant.
Coding change: c.1038G>A on transcript NM_018026.4 (MANE Select); coding-DNA position 1038, G replaced by A.
Protein change: p.Glu346=; no amino-acid change (glutamic acid 346 retained).
Molecular consequence: synonymous variant.
Genome position (GRCh38, 1-based): chr11:66,219,805, G>A. VCF-style: chr11-66219805-G-A. GRCh37 (hg19) VCF-style: chr11-65987276-G-A.
Identifiers: ClinVar variation 3369785 (VCV003369785.1).